The following is an entry in ClinVar:

ClinVar aggregate classification (germline): Conflicting classifications of pathogenicity. Review status: criteria provided, conflicting classifications (1 of 4 stars). 2 submissions from 2 submitters: Uncertain significance (1); Likely benign (1). Last evaluated 2023-12-01.

Conditions:
Inborn genetic diseases. Identifiers: MedGen C0950123, MeSH D030342.

Allele frequency attached by ClinVar (database versions not stated): ExAC 0.00001; TOPMed 0.00004; gnomAD 0.00005.
gnomAD v4.1: 27 of 1,613,932 alleles (0.0017%); highest among the groups gnomAD compares: African/African-American, 0.0027%; no homozygotes.

Submissions (2):

CeGaT Center for Human Genetics Tuebingen
Classification: Likely benign. Last evaluated: 2023-12-01. Review status: criteria provided, single submitter. Criteria: CeGaT Center For Human Genetics Tuebingen Variant Classification Criteria Version 2. Collection method: clinical testing. Allele origin: germline. Affected: yes. Observed: 2 variant alleles.
Comment: KDM3B: BP4

Ambry Genetics
Classification: Uncertain significance for Inborn genetic diseases. Last evaluated: 2021-11-15. Review status: criteria provided, single submitter. Criteria: Ambry Variant Classification Scheme 2023. Collection method: clinical testing. Allele origin: germline.

NM_016604.4(KDM3B):c.1838G>A (p.Arg613His)

Gene: KDM3B (lysine demethylase 3B; plus strand). Cytogenetic location: 5q31.2.
Variant type: single nucleotide variant.
Coding change: c.1838G>A on transcript NM_016604.4 (MANE Select); coding-DNA position 1838, G replaced by A.
Protein change: p.Arg613His; replaces arginine 613 with histidine.
Molecular consequence: missense variant.
Genome position (GRCh38, 1-based): chr5:138,391,470, G>A. VCF-style: chr5-138391470-G-A. GRCh37 (hg19) VCF-style: chr5-137727159-G-A.
Other names: short protein forms R613H.
Identifiers: ClinVar variation 2396264 (VCV002396264.26), dbSNP rs759653444, ClinGen allele CA3428967.